The following is an entry in ClinVar:

NM_001330700.2(TOP2B):c.3619G>A (p.Val1207Ile)

Gene: TOP2B (DNA topoisomerase II beta; minus strand). Cytogenetic location: 3p24.2.
Variant type: single nucleotide variant.
Coding change: c.3619G>A on transcript NM_001330700.2 (MANE Select); coding-DNA position 3619, G replaced by A.
Protein change: p.Val1207Ile; replaces valine 1207 with isoleucine.
Molecular consequence: missense variant.
Genome position (GRCh38, 1-based): chr3:25,612,682, C>T on the plus strand (G>A on the coding strand, the complement: TOP2B is on the minus strand). VCF-style: chr3-25612682-C-T. GRCh37 (hg19) VCF-style: chr3-25654173-C-T.
Other names: c.3604G>A (NM_001068.2); c.3604G>A, p.Val1202Ile (NM_001068.3); short protein forms V1202I, V1207I.
Identifiers: ClinVar variation 3729696 (VCV003729696.3).

ClinVar aggregate classification (germline): Conflicting classifications of pathogenicity. Review status: criteria provided, conflicting classifications (1 of 4 stars). 2 submissions from 2 submitters: Uncertain significance (1); Likely benign (1). Last evaluated 2025-06-06.

gnomAD v4.1: 53 of 1,613,488 alleles (0.0033%); highest among the groups gnomAD compares: Non-Finnish European, 0.0042%; no homozygotes.

Submissions (2):

Ambry Genetics
Classification: Likely benign. Last evaluated: 2025-06-06. Review status: criteria provided, single submitter. Criteria: Ambry Variant Classification Scheme 2023. Collection method: clinical testing. Allele origin: germline.

Labcorp Genetics (formerly Invitae), Labcorp
Classification: Uncertain significance. Last evaluated: 2024-06-12. Review status: criteria provided, single submitter. Criteria: Invitae Variant Classification Sherloc (09022015). Collection method: clinical testing. Allele origin: germline.
Comment: This sequence change replaces valine, which is neutral and non-polar, with isoleucine, which is neutral and non-polar, at codon 1202 of the TOP2B protein (p.Val1202Ile). This variant is present in population databases (rs766070395, gnomAD 0.003%). This variant has not been reported in the literature in individuals affected with TOP2B-related conditions. Algorithms developed to predict the effect of missense changes on protein structure and function output the following: SIFT: "Not Available"; PolyPhen-2: "Benign"; Align-GVGD: "Not Available". The isoleucine amino acid residue is found in multiple mammalian species, which suggests that this missense change does not adversely affect protein function. In summary, the available evidence is currently insufficient to determine the role of this variant in disease. Therefore, it has been classified as a Variant of Uncertain Significance.